The following is an entry in ClinVar:

NM_001184.4(ATR):c.6818T>C (p.Ile2273Thr)

Gene: ATR (ATR checkpoint kinase; minus strand). Cytogenetic location: 3q23.
Variant type: single nucleotide variant.
Coding change: c.6818T>C on transcript NM_001184.4 (MANE Select); coding-DNA position 6818, T replaced by C.
Protein change: p.Ile2273Thr; replaces isoleucine 2273 with threonine.
Molecular consequence: missense variant.
Genome position (GRCh38, 1-based): chr3:142,466,403, A>G on the plus strand (T>C on the coding strand, the complement: ATR is on the minus strand). VCF-style: chr3-142466403-A-G. GRCh37 (hg19) VCF-style: chr3-142185245-A-G.
Other names: c.6626T>C, p.Ile2209Thr (NM_001354579.2); short protein forms I2209T, I2273T.
Identifiers: ClinVar variation 2699537 (VCV002699537.2), dbSNP rs748830601, ClinGen allele CA2649264.

ClinVar aggregate classification (germline): Uncertain significance (1 of 4 stars; one submission).

Allele frequency attached by ClinVar (database versions not stated): ExAC 0.00001; gnomAD 0.00001.
gnomAD v4.1: 1 of 1,613,898 alleles (0.000062%); highest among the groups gnomAD compares: African/African-American, 0.0013%; no homozygotes.

Submission:

Labcorp Genetics (formerly Invitae), Labcorp
Classification: Uncertain significance. Last evaluated: 2022-11-10. Review status: criteria provided, single submitter. Criteria: Invitae Variant Classification Sherloc (09022015). Collection method: clinical testing. Allele origin: germline.
Comment: This sequence change replaces isoleucine, which is neutral and non-polar, with threonine, which is neutral and polar, at codon 2273 of the ATR protein (p.Ile2273Thr). This variant is present in population databases (rs748830601, gnomAD 0.007%). This variant has not been reported in the literature in individuals affected with ATR-related conditions. Algorithms developed to predict the effect of missense changes on protein structure and function output the following: SIFT: "Tolerated"; PolyPhen-2: "Benign"; Align-GVGD: "Class C0". The threonine amino acid residue is found in multiple mammalian species, which suggests that this missense change does not adversely affect protein function. In summary, the available evidence is currently insufficient to determine the role of this variant in disease. Therefore, it has been classified as a Variant of Uncertain Significance.